The following is an entry in ClinVar:

ClinVar aggregate classification (germline): Uncertain significance. Review status: criteria provided, multiple submitters, no conflicts (2 of 4 stars). 2 submissions from 2 submitters: Uncertain significance (2). Last evaluated 2025-03-20.

Conditions:
Cystic fibrosis (CF). Also called: MUCOVISCIDOSIS. Identifiers: Orphanet 586, MedGen C0010674, MONDO:0009061, OMIM 219700. Disease mechanism: loss of function.

Allele frequency attached by ClinVar (database versions not stated): TOPMed below 0.00001; ExAC 0.00006; gnomAD 0.00001.
gnomAD v4.1: 36 of 1,613,664 alleles (0.0022%); highest among the groups gnomAD compares: Non-Finnish European, 0.0012%; no homozygotes.

Submissions (2):

Ambry Genetics
Classification: Uncertain significance for Cystic fibrosis. Last evaluated: 2025-03-20. Review status: criteria provided, single submitter. Criteria: Ambry Variant Classification Scheme 2023. Collection method: clinical testing. Allele origin: germline.
Comment: The p.S4L variant (also known as c.11C>T), located in coding exon 1 of the CFTR gene, results from a C to T substitution at nucleotide position 11. The serine at codon 4 is replaced by leucine, an amino acid with dissimilar properties. This amino acid position is highly conserved in available vertebrate species. In addition, the in silico prediction for this alteration is inconclusive. Since supporting evidence is limited at this time, the clinical significance of this alteration remains unclear.

Labcorp Genetics (formerly Invitae), Labcorp
Classification: Uncertain significance for Cystic fibrosis. Last evaluated: 2023-11-02. Review status: criteria provided, single submitter. Criteria: Invitae Variant Classification Sherloc (09022015). Collection method: clinical testing. Allele origin: germline.
Comment: This sequence change replaces serine, which is neutral and polar, with leucine, which is neutral and non-polar, at codon 4 of the CFTR protein (p.Ser4Leu). This variant is present in population databases (rs397508173, gnomAD 0.03%). This variant has not been reported in the literature in individuals affected with CFTR-related conditions. ClinVar contains an entry for this variant (Variation ID: 2447414). Advanced modeling of protein sequence and biophysical properties (such as structural, functional, and spatial information, amino acid conservation, physicochemical variation, residue mobility, and thermodynamic stability) has been performed at Invitae for this missense variant, however the output from this modeling did not meet the statistical confidence thresholds required to predict the impact of this variant on CFTR protein function. In summary, the available evidence is currently insufficient to determine the role of this variant in disease. Therefore, it has been classified as a Variant of Uncertain Significance.

NM_000492.4(CFTR):c.11C>T (p.Ser4Leu)

Gene: CFTR (CF transmembrane conductance regulator; plus strand). Cytogenetic location: 7q31.2.
Variant type: single nucleotide variant.
Coding change: c.11C>T on transcript NM_000492.4 (MANE Select); coding-DNA position 11, C replaced by T.
Protein change: p.Ser4Leu; replaces serine 4 with leucine.
Molecular consequence: missense variant.
Genome position (GRCh38, 1-based): chr7:117,480,105, C>T. VCF-style: chr7-117480105-C-T. GRCh37 (hg19) VCF-style: chr7-117120159-C-T.
Other names: short protein forms S4L.
Identifiers: ClinVar variation 2447414 (VCV002447414.6), dbSNP rs397508173, ClinGen allele CA4450596.